The following is an entry in ClinVar:

ClinVar aggregate classification (germline): Uncertain significance. Review status: criteria provided, multiple submitters, no conflicts (2 of 4 stars). 2 submissions from 2 submitters: Uncertain significance (2). Last evaluated 2024-11-11.

Allele frequency attached by ClinVar (database versions not stated): gnomAD 0.00001; gnomAD exomes 0.00001; ExAC 0.00002.
gnomAD v4.1: 7 of 1,613,970 alleles (0.00043%); highest among the groups gnomAD compares: South Asian, 0.0011%; no homozygotes.

Submissions (2):

Labcorp Genetics (formerly Invitae), Labcorp
Classification: Uncertain significance. Last evaluated: 2024-11-11. Review status: criteria provided, single submitter. Criteria: Invitae Variant Classification Sherloc (09022015). Collection method: clinical testing. Allele origin: germline.
Comment: This sequence change replaces threonine, which is neutral and polar, with alanine, which is neutral and non-polar, at codon 803 of the PDE6A protein (p.Thr803Ala). This variant is present in population databases (rs764575487, gnomAD 0.002%). This variant has not been reported in the literature in individuals affected with PDE6A-related conditions. ClinVar contains an entry for this variant (Variation ID: 1967417). Invitae Evidence Modeling of protein sequence and biophysical properties (such as structural, functional, and spatial information, amino acid conservation, physicochemical variation, residue mobility, and thermodynamic stability) indicates that this missense variant is not expected to disrupt PDE6A protein function with a negative predictive value of 95%. In summary, the available evidence is currently insufficient to determine the role of this variant in disease. Therefore, it has been classified as a Variant of Uncertain Significance.

Blueprint Genetics
Classification: Uncertain significance. Last evaluated: 2024-11-01. Review status: criteria provided, single submitter. Criteria: ACMG Guidelines, 2015. Collection method: clinical testing. Allele origin: germline.

NM_000440.3(PDE6A):c.2407A>G (p.Thr803Ala)

Gene: PDE6A (phosphodiesterase 6A; minus strand). Cytogenetic location: 5q32.
Variant type: single nucleotide variant.
Coding change: c.2407A>G on transcript NM_000440.3 (MANE Select); coding-DNA position 2407, A replaced by G.
Protein change: p.Thr803Ala; replaces threonine 803 with alanine.
Molecular consequence: missense variant.
Genome position (GRCh38, 1-based): chr5:149,863,218, T>C on the plus strand (A>G on the coding strand, the complement: PDE6A is on the minus strand). VCF-style: chr5-149863218-T-C. GRCh37 (hg19) VCF-style: chr5-149242781-T-C.
Other names: c.2164A>G, p.Thr722Ala (NM_001410788.1); short protein forms T803A, T722A.
Identifiers: ClinVar variation 1967417 (VCV001967417.6), dbSNP rs764575487, ClinGen allele CA3504284.